The following is an entry in ClinVar:

NM_015178.3(RHOBTB2):c.159A>T (p.Val53=)

Gene: RHOBTB2 (Rho related BTB domain containing 2; plus strand). Cytogenetic location: 8p21.3.
Variant type: single nucleotide variant.
Coding change: c.159A>T on transcript NM_015178.3 (MANE Select); coding-DNA position 159, A replaced by T.
Protein change: p.Val53=; no amino-acid change (valine 53 retained).
Molecular consequence: synonymous variant.
Genome position (GRCh38, 1-based): chr8:23,004,593, A>T. VCF-style: chr8-23004593-A-T. GRCh37 (hg19) VCF-style: chr8-22862106-A-T.
Other names: c.225A>T, p.Val75= (NM_001160036.2); c.180A>T, p.Val60= (NM_001160037.2); c.159A>T, p.Val53= (NM_001374791.1).
Identifiers: ClinVar variation 4872793 (VCV004872793.2).

ClinVar aggregate classification (germline): Likely benign (1 of 4 stars; one submission).

Submission:

CeGaT Center for Human Genetics Tuebingen
Classification: Likely benign. Last evaluated: 2026-05-01. Review status: criteria provided, single submitter. Criteria: CeGaT Center For Human Genetics Tuebingen Variant Classification Criteria Version 2. Collection method: clinical testing. Allele origin: germline. Affected: yes. Observed: 1 variant allele.
Comment: RHOBTB2: PM2:Supporting, BP4, BP7